The following is an entry in ClinVar:

NM_022455.5(NSD1):c.5257A>T (p.Lys1753Ter)

Gene: NSD1 (nuclear receptor binding SET domain protein 1; plus strand). Cytogenetic location: 5q35.3.
Variant type: single nucleotide variant.
Coding change: c.5257A>T on transcript NM_022455.5 (MANE Select); coding-DNA position 5257, A replaced by T.
Protein change: p.Lys1753Ter; replaces lysine 1753 with a stop codon.
Molecular consequence: nonsense.
Genome position (GRCh38, 1-based): chr5:177,267,672, A>T. VCF-style: chr5-177267672-A-T. GRCh37 (hg19) VCF-style: chr5-176694673-A-T.
Other names: c.4384A>T, p.Lys1462Ter (NM_001365684.2, NM_001409308.1, NM_001409309.1 and 1 more transcripts); c.5257A>T, p.Lys1753Ter (NM_001409301.1, NM_001409302.1, NM_001409303.1); c.4837A>T, p.Lys1613Ter (NM_001409304.1); c.4504A>T, p.Lys1502Ter (NM_001409305.1); c.4495A>T, p.Lys1499Ter (NM_001409306.1, NM_001409307.1); short protein forms K1753*, K1462*, K1499*, K1502*, K1613*, K1484*.
Identifiers: ClinVar variation 1746389 (VCV001746389.2), dbSNP rs2480720249, ClinGen allele CA362305976.

ClinVar aggregate classification (germline): Pathogenic (1 of 4 stars; one submission).

Conditions:
Inborn genetic diseases. Identifiers: MedGen C0950123, MeSH D030342.

Submission:

Ambry Genetics
Classification: Pathogenic for Inborn genetic diseases. Last evaluated: 2020-03-24. Review status: criteria provided, single submitter. Criteria: Ambry Variant Classification Scheme 2023. Collection method: clinical testing. Allele origin: germline.
Comment: The p.K1753* pathogenic mutation (also known as c.5257A>T), located in coding exon 14 of the NSD1 gene, results from an A to T substitution at nucleotide position 5257. This changes the amino acid from a lysine to a stop codon within coding exon 14. This alteration is expected to result in loss of function by premature protein truncation or nonsense-mediated mRNA decay. As such, this alteration is interpreted as a disease-causing mutation.